The following is an entry in ClinVar:

ClinVar aggregate classification (germline): Uncertain significance (1 of 4 stars; one submission).

Conditions:
Fanconi anemia (FA). Also called: Fanconi's anemia. Identifiers: Orphanet 84, MedGen C0015625, MeSH D005199, MONDO:0019391.

Submission:

Labcorp Genetics (formerly Invitae), Labcorp
Classification: Uncertain significance for Fanconi anemia. Last evaluated: 2020-08-26. Review status: criteria provided, single submitter. Criteria: Invitae Variant Classification Sherloc (09022015). Collection method: clinical testing. Allele origin: germline.
Comment: In summary, the available evidence is currently insufficient to determine the role of this variant in disease. Therefore, it has been classified as a Variant of Uncertain Significance. Algorithms developed to predict the effect of missense changes on protein structure and function are either unavailable or do not agree on the potential impact of this missense change (SIFT: "Deleterious"; PolyPhen-2: "Probably Damaging"; Align-GVGD: "Class C0"). This variant has not been reported in the literature in individuals with FANCM-related conditions. This variant is not present in population databases (ExAC no frequency). This sequence change replaces tryptophan with arginine at codon 688 of the FANCM protein (p.Trp688Arg). The tryptophan residue is moderately conserved and there is a moderate physicochemical difference between tryptophan and arginine.

NM_020937.4(FANCM):c.2062T>C (p.Trp688Arg)

Gene: FANCM (FA complementation group M; plus strand). Cytogenetic location: 14q21.2.
Variant type: single nucleotide variant.
Coding change: c.2062T>C on transcript NM_020937.4 (MANE Select); coding-DNA position 2062, T replaced by C.
Protein change: p.Trp688Arg; replaces tryptophan 688 with arginine.
Molecular consequence: missense variant.
Genome position (GRCh38, 1-based): chr14:45,170,648, T>C. VCF-style: chr14-45170648-T-C. GRCh37 (hg19) VCF-style: chr14-45639851-T-C.
Other names: c.1984T>C, p.Trp662Arg (NM_001308133.2); short protein forms W662R, W688R.
Identifiers: ClinVar variation 1036117 (VCV001036117.8), dbSNP rs1888278549, ClinGen allele CA389595980.